The following is an entry in ClinVar:

ClinVar aggregate classification (germline): Likely pathogenic (1 of 4 stars; one submission).

Conditions:
Early-infantile DEE. Also called: Ohtahara syndrome; Early infantile epileptic encephalopathy; Early infantile epileptic encephalopathy with suppression bursts. Identifiers: Orphanet 1934, MedGen C0393706, MONDO:0800491.

Submission:

Labcorp Genetics (formerly Invitae), Labcorp
Classification: Likely pathogenic for Early-infantile DEE. Last evaluated: 2024-03-30. Review status: criteria provided, single submitter. Criteria: Invitae Variant Classification Sherloc (09022015). Collection method: clinical testing. Allele origin: germline.
Comment: This sequence change affects a donor splice site in intron 1 of the CACNA2D2 gene. It is expected to disrupt RNA splicing. Variants that disrupt the donor or acceptor splice site typically lead to a loss of protein function (PMID: 16199547), and loss-of-function variants in CACNA2D2 are known to be pathogenic (PMID: 24358150). This variant is not present in population databases (gnomAD no frequency). This variant has not been reported in the literature in individuals affected with CACNA2D2-related conditions. Algorithms developed to predict the effect of sequence changes on RNA splicing suggest that this variant may disrupt the consensus splice site. In summary, the currently available evidence indicates that the variant is pathogenic, but additional data are needed to prove that conclusively. Therefore, this variant has been classified as Likely Pathogenic.

Literature cited by the submitters: PubMed 16199547; PubMed 24358150.

NM_006030.4(CACNA2D2):c.206+1G>T

Gene: CACNA2D2 (calcium voltage-gated channel auxiliary subunit alpha2delta 2; minus strand). Cytogenetic location: 3p21.31.
Variant type: single nucleotide variant.
Coding change: c.206+1G>T on transcript NM_006030.4 (MANE Select); the canonical splice donor site of the intron after coding-DNA position 206, G replaced by T.
Molecular consequence: splice donor variant. On other transcripts: intron variant (1).
Genome position (GRCh38, 1-based): chr3:50,503,217, C>A on the plus strand (G>T on the coding strand, the complement: CACNA2D2 is on the minus strand). VCF-style: chr3-50503217-C-A. GRCh37 (hg19) VCF-style: chr3-50540648-C-A.
Other names: c.-2+852G>T (NM_001291101.1); c.206+1G>T (NM_001005505.3, NM_001410768.1, NM_001174051.3).
Identifiers: ClinVar variation 3665427 (VCV003665427.2).